The following is an entry in ClinVar:

ClinVar aggregate classification (germline): Uncertain significance (1 of 4 stars; one submission).

gnomAD v4.1: 9 of 1,494,944 alleles (0.0006%); highest among the groups gnomAD compares: Non-Finnish European, 0.0008%; no homozygotes.

Submission:

Women's Health and Genetics/Laboratory Corporation of America, LabCorp
Classification: Uncertain significance. Last evaluated: 2025-03-25. Review status: criteria provided, single submitter. Criteria: LabCorp Variant Classification Summary - May 2015. Collection method: clinical testing. Allele origin: germline.
Comment: Variant summary: WASF1 c.1009A>T (p.Thr337Ser) results in a conservative amino acid change in the encoded protein sequence. Four of five in-silico tools predict a benign effect of the variant on protein function. The variant was absent in 167368 control chromosomes. The available data on variant occurrences in the general population are insufficient to allow any conclusion about variant significance. To our knowledge, no occurrence of c.1009A>T in individuals affected with Neurodevelopmental Disorder With Absent Language And Variable Seizures and no experimental evidence demonstrating its impact on protein function have been reported. No submitters have cited clinical-significance assessments for this variant to ClinVar. Based on the evidence outlined above, the variant was classified as uncertain significance.

NM_003931.3(WASF1):c.1009A>T (p.Thr337Ser)

Gene: WASF1 (WASP family member 1; minus strand). Cytogenetic location: 6q21.
Variant type: single nucleotide variant.
Coding change: c.1009A>T on transcript NM_003931.3 (MANE Select); coding-DNA position 1009, A replaced by T.
Protein change: p.Thr337Ser; replaces threonine 337 with serine.
Molecular consequence: missense variant.
Genome position (GRCh38, 1-based): chr6:110,102,101, T>A on the plus strand (A>T on the coding strand, the complement: WASF1 is on the minus strand). VCF-style: chr6-110102101-T-A. GRCh37 (hg19) VCF-style: chr6-110423304-T-A.
Other names: c.1009A>T, p.Thr337Ser (NM_001024934.2, NM_001024935.2, NM_001024936.2); short protein forms T337S.
Identifiers: ClinVar variation 3895975 (VCV003895975.1).
Genomic context (GRCh38, chr6:110,102,101, plus strand): 5'-GAGGTGGGGGAGGTACTGGAGGGGGAGGAGTTGAAGTCATTGAAGCTCTTAATGAGGAAG[T>A]TGACAAGGCAGATGGAAGAGGTGGTGGAGGAGGTGGGGGAGTGGGGCTCACAAACACAGG-3'
Protein context (NP_003922.1, residues 327-347): PPPPLPSALS[Thr337Ser]SSLRASMTST